The following is an entry in ClinVar:

NM_020884.7(MYH7B):c.854G>A (p.Ser285Asn)

Gene: MYH7B (myosin heavy chain 7B; plus strand). Cytogenetic location: 20q11.22.
Variant type: single nucleotide variant.
Coding change: c.854G>A on transcript NM_020884.7 (MANE Select); coding-DNA position 854, G replaced by A.
Protein change: p.Ser285Asn; replaces serine 285 with asparagine.
Molecular consequence: missense variant.
Genome position (GRCh38, 1-based): chr20:34,986,148, G>A. VCF-style: chr20-34986148-G-A. GRCh37 (hg19) VCF-style: chr20-33573951-G-A.
Other names: c.980G>A (NM_020884.3); short protein forms S285N.
Identifiers: ClinVar variation 2903634 (VCV002903634.4), dbSNP rs754763490, ClinGen allele CA9826685.
Genomic context (GRCh38, chr20:34,986,148, plus strand): 5'-CCTTCTCCCCAGATCTCCTGGAGAAGTCGCGGGTGATCTTCCAGTTGCCTGGTGAGCGCA[G>A]CTACCATGTCTACTACCAGATCCTCTCAGGGAGGAAGCCAGAGCTGCAGGGTGAGGGGCA-3'
Protein context (NP_065935.4, residues 275-295): RVIFQLPGER[Ser285Asn]YHVYYQILSG

ClinVar aggregate classification (germline): Uncertain significance. Review status: criteria provided, multiple submitters, no conflicts (2 of 4 stars). 2 submissions from 2 submitters: Uncertain significance (2). Last evaluated 2025-02-01.

Allele frequency attached by ClinVar (database versions not stated): gnomAD exomes 0.00001; ExAC 0.00002; TOPMed 0.00002.

Submissions (2):

Ambry Genetics
Classification: Uncertain significance. Last evaluated: 2025-02-01. Review status: criteria provided, single submitter. Criteria: Ambry Variant Classification Scheme 2023. Collection method: clinical testing. Allele origin: germline.

Labcorp Genetics (formerly Invitae), Labcorp
Classification: Uncertain significance. Last evaluated: 2023-01-03. Review status: criteria provided, single submitter. Criteria: Invitae Variant Classification Sherloc (09022015). Collection method: clinical testing. Allele origin: germline.
Comment: Advanced modeling of protein sequence and biophysical properties (such as structural, functional, and spatial information, amino acid conservation, physicochemical variation, residue mobility, and thermodynamic stability) performed at Invitae indicates that this missense variant is not expected to disrupt MYH7B protein function. In summary, the available evidence is currently insufficient to determine the role of this variant in disease. Therefore, it has been classified as a Variant of Uncertain Significance. This variant has not been reported in the literature in individuals affected with MYH7B-related conditions. This sequence change replaces serine, which is neutral and polar, with asparagine, which is neutral and polar, at codon 327 of the MYH7B protein (p.Ser327Asn). The frequency data for this variant in the population databases is considered unreliable, as metrics indicate poor data quality at this position in the gnomAD database.